The following is an entry in ClinVar:

ClinVar aggregate classification (germline): Uncertain significance (1 of 4 stars; one submission).

Submission:

Labcorp Genetics (formerly Invitae), Labcorp
Classification: Uncertain significance. Last evaluated: 2025-04-09. Review status: criteria provided, single submitter. Criteria: Invitae Variant Classification Sherloc (09022015). Collection method: clinical testing. Allele origin: germline.
Comment: This sequence change replaces glycine, which is neutral and non-polar, with valine, which is neutral and non-polar, at codon 532 of the ERBIN protein (p.Gly532Val). This variant is not present in population databases (gnomAD no frequency). This variant has not been reported in the literature in individuals affected with ERBIN-related conditions. An algorithm developed to predict the effect of missense changes on protein structure and function (PolyPhen-2) suggests that this variant is likely to be tolerated. In summary, the available evidence is currently insufficient to determine the role of this variant in disease. Therefore, it has been classified as a Variant of Uncertain Significance.

NM_001253697.2(ERBIN):c.1595G>T (p.Gly532Val)

Gene: ERBIN (erbb2 interacting protein; plus strand). Cytogenetic location: 5q12.3.
Variant type: single nucleotide variant.
Coding change: c.1595G>T on transcript NM_001253697.2 (MANE Select); coding-DNA position 1595, G replaced by T.
Protein change: p.Gly532Val; replaces glycine 532 with valine.
Molecular consequence: missense variant. On other transcripts: intron variant (1).
Genome position (GRCh38, 1-based): chr5:66,044,303, G>T. VCF-style: chr5-66044303-G-T. GRCh37 (hg19) VCF-style: chr5-65340131-G-T.
Other names: c.1595G>T, p.Gly532Val (NM_001006600.3, NM_001253698.2, NM_001253699.2 and 1 more transcripts); c.1590+5G>T (NM_001253701.2); short protein forms G532V.
Identifiers: ClinVar variation 4774907 (VCV004774907.1).
Genomic context (GRCh38, chr5:66,044,303, plus strand): 5'-AAGACTCAGGAAGAGATTTGAAACCACATGAAGATCAACAAGATATAAATAAAGATGTGG[G>T]TGTGAAGGTTAGAAAATTCAAAAGGATTAACCAAAGCCTATTTCAAGTTCTTATTTTTAA-3'
Protein context (NP_001240626.1, residues 522-542): EDQQDINKDV[Gly532Val]VKTSESTTTV